The following is an entry in ClinVar:

ClinVar aggregate classification (germline): Uncertain significance (1 of 4 stars; one submission).

Allele frequency attached by ClinVar (database versions not stated): gnomAD exomes below 0.00001; ExAC 0.00001.
gnomAD v4.1: 1 of 1,614,236 alleles (0.000062%); highest among the groups gnomAD compares: Non-Finnish European, 0.000085%; no homozygotes.

Submission:

Labcorp Genetics (formerly Invitae), Labcorp
Classification: Uncertain significance. Last evaluated: 2022-09-27. Review status: criteria provided, single submitter. Criteria: Invitae Variant Classification Sherloc (09022015). Collection method: clinical testing. Allele origin: germline.
Comment: This sequence change replaces serine, which is neutral and polar, with cysteine, which is neutral and slightly polar, at codon 1051 of the POLE protein (p.Ser1051Cys). This variant is present in population databases (rs745884888, gnomAD 0.0009%). This variant has not been reported in the literature in individuals affected with POLE-related conditions. Advanced modeling of protein sequence and biophysical properties (such as structural, functional, and spatial information, amino acid conservation, physicochemical variation, residue mobility, and thermodynamic stability) performed at Invitae indicates that this missense variant is expected to disrupt POLE protein function. In summary, the available evidence is currently insufficient to determine the role of this variant in disease. Therefore, it has been classified as a Variant of Uncertain Significance.

NM_006231.4(POLE):c.3152C>G (p.Ser1051Cys)

Gene: POLE (DNA polymerase epsilon, catalytic subunit; minus strand). Cytogenetic location: 12q24.33.
Variant type: single nucleotide variant.
Coding change: c.3152C>G on transcript NM_006231.4 (MANE Select); coding-DNA position 3152, C replaced by G.
Protein change: p.Ser1051Cys; replaces serine 1051 with cysteine.
Molecular consequence: missense variant.
Genome position (GRCh38, 1-based): chr12:132,659,418, G>C on the plus strand (C>G on the coding strand, the complement: POLE is on the minus strand). VCF-style: chr12-132659418-G-C. GRCh37 (hg19) VCF-style: chr12-133236004-G-C.
Other names: short protein forms S1051C.
Identifiers: ClinVar variation 1720452 (VCV001720452.5), dbSNP rs745884888, ClinGen allele CA6893347.